The following is an entry in ClinVar:

ClinVar aggregate classification (germline): Uncertain significance (1 of 4 stars; one submission).

Conditions:
Congenital dyserythropoietic anemia, type II (CDAN2). Also called: DYSERYTHROPOIETIC ANEMIA, HEMPAS TYPE. Identifiers: Orphanet 98873, MedGen C1306589, MONDO:0009134, OMIM 224100.
Cowden syndrome 7 (CWS7). Identifiers: Orphanet 201, MedGen C4225179, MONDO:0014802, OMIM 616858.

Submission:

Labcorp Genetics (formerly Invitae), Labcorp
Classification: Uncertain significance for Congenital dyserythropoietic anemia, type II; Cowden syndrome 7. Last evaluated: 2022-06-25. Review status: criteria provided, single submitter. Criteria: Invitae Variant Classification Sherloc (09022015). Collection method: clinical testing. Allele origin: germline.
Comment: This sequence change replaces tyrosine, which is neutral and polar, with phenylalanine, which is neutral and non-polar, at codon 372 of the SEC23B protein (p.Tyr372Phe). This variant is not present in population databases (gnomAD no frequency). This variant has not been reported in the literature in individuals affected with SEC23B-related conditions. Algorithms developed to predict the effect of missense changes on protein structure and function (SIFT, PolyPhen-2, Align-GVGD) all suggest that this variant is likely to be tolerated. In summary, the available evidence is currently insufficient to determine the role of this variant in disease. Therefore, it has been classified as a Variant of Uncertain Significance.

NM_006363.6(SEC23B):c.1115A>T (p.Tyr372Phe)

Gene: SEC23B (SEC23 homolog B, COPII component; plus strand). Cytogenetic location: 20p11.23.
Variant type: single nucleotide variant.
Coding change: c.1115A>T on transcript NM_006363.6 (MANE Select); coding-DNA position 1115, A replaced by T.
Protein change: p.Tyr372Phe; replaces tyrosine 372 with phenylalanine.
Molecular consequence: missense variant.
Genome position (GRCh38, 1-based): chr20:18,530,685, A>T. VCF-style: chr20-18530685-A-T. GRCh37 (hg19) VCF-style: chr20-18511329-A-T.
Other names: c.1115A>T, p.Tyr372Phe (NM_001172745.3, NM_032985.6, NM_032986.5); c.1061A>T, p.Tyr354Phe (NM_001172746.3); short protein forms Y372F, Y354F.
Identifiers: ClinVar variation 2010603 (VCV002010603.4), dbSNP rs1273952544, ClinGen allele CA408361404.